The following is an entry in ClinVar:

NC_000007.14:g.(?_21681526)_(21745083_?)dup

Gene: DNAH11 (dynein axonemal heavy chain 11; plus strand). Cytogenetic location: 7p15.3.
Variant type: Duplication.
Identifiers: ClinVar variation 831933 (VCV000831933.5).

ClinVar aggregate classification (germline): Pathogenic (1 of 4 stars; one submission).

Conditions:
Primary ciliary dyskinesia. Also called: Ciliary dyskinesia. Identifiers: Orphanet 244, MedGen C0008780, MONDO:0016575, HP:0012265.

Submission:

Labcorp Genetics (formerly Invitae), Labcorp
Classification: Pathogenic for Primary ciliary dyskinesia. Last evaluated: 2023-08-01. Review status: criteria provided, single submitter. Criteria: Invitae Variant Classification Sherloc (09022015). Collection method: clinical testing. Allele origin: germline.
Comment: For these reasons, this variant has been classified as Pathogenic. A similar copy number variant has been observed in individual(s) with clinical features of primary ciliary dyskinesia (Invitae). This variant results in a copy number gain of the genomic region encompassing exon(s) 31-51 of the DNAH11 gene. While the exact position of this variant cannot be determined from the data, sub-genic copy number gains are generally in tandem (PMID: 25640679). This variant is predicted to be out-of-frame, and may result in an absent or disrupted protein product. Loss-of-function variants in DNAH11 are known to be pathogenic (PMID: 18022865, 20513915, 22184204).

Literature cited by the submitters: PubMed 25640679; PubMed 18022865; PubMed 20513915; PubMed 22184204.